The following is an entry in ClinVar:

NM_001130987.2(DYSF):c.1963_1972del (p.Tyr655fs)

Gene: DYSF (dysferlin; plus strand). Cytogenetic location: 2p13.2.
Variant type: Deletion.
Coding change: c.1963_1972del on transcript NM_001130987.2 (MANE Select); coding-DNA positions 1963 to 1972, 10 bases deleted (TACAGCCGTG; older notation c.1963_1972delTACAGCCGTG).
Protein change: p.Tyr655fs; shifts the reading frame from tyrosine 655.
Molecular consequence: frameshift variant.
Genome position (GRCh38, 1-based): chr2:71,553,167-71,553,176, TACAGCCGTG deleted; deleting any 10 consecutive bases within chr2:71,553,166-71,553,176 gives the same sequence; the c. name uses the placement nearest the transcript's 3' end. VCF-style (leftmost placement, unchanged base first): chr2-71553165-AGTACAGCCGT-A. GRCh37 (hg19) VCF-style: chr2-71780295-AGTACAGCCGT-A.
Other names: c.1912_1921del, p.Tyr638fs (NM_001130455.2, NM_001130983.2); c.1867_1876del, p.Tyr623fs (NM_001130976.2, NM_001130977.2); c.1909_1918del, p.Tyr637fs (NM_001130978.2, NM_003494.4); c.2002_2011del, p.Tyr668fs (NM_001130979.2); c.1960_1969del, p.Tyr654fs (NM_001130980.2, NM_001130981.2); c.2005_2014del, p.Tyr669fs (NM_001130982.2); c.1870_1879del, p.Tyr624fs (NM_001130984.2, NM_001130986.2); c.1963_1972del, p.Tyr655fs (NM_001130985.2); short protein forms Y623fs, Y624fs, Y637fs, Y638fs, Y654fs, Y655fs, Y668fs, Y669fs.
Identifiers: ClinVar variation 5012840 (VCV005012840.1).

ClinVar aggregate classification (germline): Pathogenic (1 of 4 stars; one submission).

Conditions:
Autosomal recessive limb-girdle muscular dystrophy. Identifiers: Orphanet 102015, MedGen C2931907, MONDO:0015152.

Submission:

Myriad Genetics, Inc.
Classification: Pathogenic for Autosomal recessive limb-girdle muscular dystrophy. Last evaluated: 2024-03-21. Review status: criteria provided, single submitter. Criteria: Myriad Autosomal Dominant, Autosomal Recessive and X-Linked Classification Criteria (2023). Collection method: clinical testing. Allele origin: unknown.
Comment: NM_003494.3(DYSF):c.1909_1918del10(Y637Qfs*16) is expected to be pathogenic in the context of dysferlinopathy. This variant is predicted to lead to an abnormal or absent protein product due to the creation of a premature termination codon in DYSF, a gene where loss-of-function variants are known to be pathogenic. Please note: this variant was assessed in the context of healthy population screening.